The following is an entry in ClinVar:

NR_199791.1(RNU2-2):n.142T>C

Genes: RNU2-2 (RNA, U2 small nuclear 2; minus strand), WDR74 (WD repeat domain 74; minus strand). Cytogenetic location: 11q12.3.
Variant type: single nucleotide variant.
Molecular consequence: non-coding transcript variant (on NR_199791.1). On other transcripts: 5 prime UTR variant (1).
Genome position: GRCh38 VCF-style: chr11-62841668-A-G. GRCh37 (hg19) VCF-style: chr11-62609140-A-G.
Other names: c.-397T>C (NM_001369451.1).
Identifiers: ClinVar variation 4540522 (VCV004540522.1).
Genomic context (GRCh38, chr11:62,841,668, plus strand): 5'-TCTCCCCGAAGGGAGAGTGCACCGTTCCTGGAAGTACTGCAATACCAGGTCGATGCGTGG[A>G]GTGGACGGAGCAAGCTCCTATTCCATCTCCTATTTCCAAAAATCCATTTAATATATTGTC-3'

ClinVar aggregate classification (germline): Uncertain significance (1 of 4 stars; one submission).

gnomAD v4.1: 7 of 152,348 alleles (0.0046%); highest among the groups gnomAD compares: Non-Finnish European, 0.0074%; no homozygotes.

Submission:

Institute for Human Genetics, University Hospital Essen
Classification: Uncertain significance. Last evaluated: 2025-11-27. Review status: criteria provided, single submitter. Criteria: Submitter's publication. Collection method: clinical testing. Allele origin: inherited. Inheritance: Autosomal unknown. Affected: yes. Observed: 1 variant allele, 1 compound heterozygote.
Comment: PM1_supp, PM2_supp (criteria rationale detailed in Leitão et al. Nature Genetics 2026)